The following is an entry in ClinVar:

ClinVar aggregate classification (germline): Likely benign (1 of 4 stars; one submission).

Conditions:
MYO5B-related disorder. Also called: MYO5B-related condition.

gnomAD v4.1: 3 of 1,614,144 alleles (0.00019%); highest among the groups gnomAD compares: East Asian, 0.0067%; no homozygotes.

Submission:

PreventionGenetics, part of Exact Sciences
Classification: Likely benign for MYO5B-related condition. Last evaluated: 2025-07-31. Review status: criteria provided, single submitter. Criteria: ACMG Guidelines, 2015. Collection method: clinical testing. Allele origin: germline.
Comment: This variant is classified as likely benign based on ACMG/AMP sequence variant interpretation guidelines (Richards et al. 2015 PMID: 25741868, with internal and published modifications).

NM_001080467.3(MYO5B):c.429A>C (p.Ala143=)

Gene: MYO5B (myosin VB; minus strand). Cytogenetic location: 18q21.1.
Variant type: single nucleotide variant.
Coding change: c.429A>C on transcript NM_001080467.3 (MANE Select); coding-DNA position 429, A replaced by C.
Protein change: p.Ala143=; no amino-acid change (alanine 143 retained).
Molecular consequence: synonymous variant.
Genome position (GRCh38, 1-based): chr18:50,036,876, T>G on the plus strand (A>C on the coding strand, the complement: MYO5B is on the minus strand). VCF-style: chr18-50036876-T-G. GRCh37 (hg19) VCF-style: chr18-47563246-T-G.
Identifiers: ClinVar variation 5001495 (VCV005001495.1).
Genomic context (GRCh38, chr18:50,036,876, plus strand): 5'-CTCAGGAGGACTTCTGGGCTGAGGACATTCTCACCTGGCCATCTGCTTGTAGGCTTCTTC[T>G]GCCACAGCAAAGATGTGGGGGTCCATGTCTCCCATGTTTTGGCCACTGTAGGTATAGATG-3'
Protein context (NP_001073936.1, residues 133-153): GDMDPHIFAV[Ala143=]EEAYKQMARD